The following is an entry in ClinVar:

NM_000132.4(F8):c.6929C>T (p.Thr2310Ile)

Gene: F8 (coagulation factor VIII; minus strand). Cytogenetic location: Xq28.
Variant type: single nucleotide variant.
Coding change: c.6929C>T on transcript NM_000132.4 (MANE Select); coding-DNA position 6929, C replaced by T.
Protein change: p.Thr2310Ile; replaces threonine 2310 with isoleucine.
Molecular consequence: missense variant.
Genome position (GRCh38, 1-based): chrX:154,837,724, G>A on the plus strand (C>T on the coding strand, the complement: F8 is on the minus strand). VCF-style: chrX-154837724-G-A. GRCh37 (hg19) VCF-style: chrX-154065999-G-A.
Other names: c.524C>T, p.Thr175Ile (NM_019863.3); short protein forms T175I, T2310I.
Identifiers: ClinVar variation 914337 (VCV000914337.15), dbSNP rs373079141, ClinGen allele CA10567730.

ClinVar aggregate classification (germline): Conflicting classifications of pathogenicity. Review status: criteria provided, conflicting classifications (1 of 4 stars). 6 submissions from 6 submitters: Likely pathogenic (1); Uncertain significance (4). 1 of the submissions does not count toward it. Last evaluated 2026-06-25.

Conditions:
Hereditary factor VIII deficiency disease (HEMA). Also called: Hemophilia A; Factor 8 deficiency, congenital; HEMOPHILIA, CLASSIC; AUTOSOMAL HEMOPHILIA A; Hemophilia A, congenital; HEM A. Identifiers: Orphanet 98878, MedGen C0019069, MONDO:0010602, OMIM 306700.
F8-related disorder. Also called: F8-related condition.

Allele frequency attached by ClinVar (database versions not stated): gnomAD below 0.00001 and 0.00001; gnomAD exomes 0.00002 and 0.00004; ExAC 0.00004; TOPMed 0.00005; ESP Exome Variant Server 0.00009.
gnomAD v4.1: 19 of 1,210,003 alleles (0.0016%); highest among the groups gnomAD compares: South Asian, 0.0035%; no homozygotes.

Submissions (6):

Myriad Genetics, Inc.
Classification: Likely pathogenic for Hereditary factor VIII deficiency disease. Last evaluated: 2026-06-25. Review status: criteria provided, single submitter. Criteria: Myriad Autosomal Dominant, Autosomal Recessive and X-Linked Classification Criteria (2023). Collection method: clinical testing. Allele origin: unknown.
Comment: NM_000132.3(F8):c.6929C>T(T2310I) is a missense variant classified as likely pathogenic in the context of hemophilia A. T2310I has been observed in cases with relevant disease (PMID: 32497951, 22103590, 29296726, Poret_2014_(Abstract), Miesbach_2006_(Abstract)). Relevant functional assessments of this variant are not available in the literature. T2310I has been observed in referenced population frequency databases. In summary, NM_000132.3(F8):c.6929C>T(T2310I) is a missense variant that has been observed more frequently in cases with the relevant disease than in healthy populations. Please note: this variant was assessed in the context of healthy population screening.

Women's Health and Genetics/Laboratory Corporation of America, LabCorp
Classification: Uncertain significance. Last evaluated: 2026-04-27. Review status: criteria provided, single submitter. Criteria: LabCorp Variant Classification Summary - May 2015. Collection method: clinical testing. Allele origin: germline.
Comment: Variant summary: F8 c.6929C>T (p.Thr2310Ile) results in a non-conservative amino acid change in the encoded protein sequence. Algorithms developed to predict the effect of missense changes on protein structure and function all suggest that this variant is likely to be disruptive. The variant allele was found at a frequency of 3.8e-05 in 183190 control chromosomes (gnomAD). The available data on variant occurrences in the general population are insufficient to allow any conclusion about variant significance. c.6929C>T has been observed in individuals affected with Factor VIII Deficiency (Hemophilia A) without strong evidence of causality (e.g. Miller_2012, Johnsen_2017, Janczar_2020). These reports do not provide unequivocal conclusions about association of the variant with Factor VIII Deficiency (Hemophilia A). To our knowledge, no experimental evidence demonstrating an impact on protein function has been reported. The following publications have been ascertained in the context of this evaluation (PMID: 22103590, 29296726, 32497951). ClinVar contains an entry for this variant (Variation ID: 914337). Based on the evidence outlined above, the variant was classified as uncertain significance.

ARUP Laboratories, Molecular Genetics and Genomics, ARUP Laboratories
Classification: Uncertain significance. Last evaluated: 2024-09-09. Review status: criteria provided, single submitter. Criteria: ARUP Molecular Germline Variant Investigation Process 2024. Collection method: clinical testing. Allele origin: germline.
Comment: The F8 c.6929C>T; p.Thr2310Ile variant (rs373079141; ClinVar Variation ID: 914337) is reported in the literature in individuals affected with mild hemophilia A (Janczar 2020, Miller 2012). This variant is observed in the general population with an overall allele frequency of 0.004% (7/183190 alleles, including 3 hemizygotes) in the Genome Aggregation Database (v2.1.1). Computational analyses are uncertain whether this variant is neutral or deleterious (REVEL: 0.642). Based on available information, the clinical significance of this variant is uncertain at this time. References: Janczar S et al. Six molecular patterns leading to hemophilia A phenotype in 18 females from Poland. Thromb Res. 2020 Sep;193:9-14. PMID: 32497951. Johnsen JM et al. Novel approach to genetic analysis and results in 3000 hemophilia patients enrolled in the My Life, Our Future initiative. Blood Adv. 2017 May 18;1(13):824-834. PMID: 29296726. Miller CH et al. F8 and F9 mutations in US haemophilia patients: correlation with history of inhibitor and race/ethnicity. Haemophilia. 2012 May;18(3):375-82. PMID: 22103590.

Blueprint Genetics
Classification: Uncertain significance. Last evaluated: 2023-04-10. Review status: criteria provided, single submitter. Criteria: ACMG Guidelines, 2015. Collection method: clinical testing. Allele origin: germline.

Illumina Laboratory Services, Illumina
Classification: Uncertain significance for Hereditary factor VIII deficiency disease. Last evaluated: 2017-04-28. Review status: criteria provided, single submitter. Criteria: ICSL Variant Classification Criteria 13 December 2019. Collection method: clinical testing. Allele origin: germline.

PreventionGenetics, part of Exact Sciences
Classification: Uncertain significance for F8-related condition. Last evaluated: 2024-06-28. Review status: no assertion criteria provided. Collection method: clinical testing. Allele origin: germline. Not counted in ClinVar's aggregate classification.
Comment: The F8 c.6929C>T variant is predicted to result in the amino acid substitution p.Thr2310Ile. This variant has been reported in the hemizygous and heterozygous states in multiple individuals with hemophilia A (Table S1, Miller et al. 2012. PubMed ID: 22103590; Johnsen et al. 2017. PubMed ID: 29296726; Janczar et al. 2020. PubMed ID: 32497951). This variant has also been reported as "non-disease causing" in a cohort study of hemophilia genotyping (Table S2, Johnsen et al. 2022. PubMed ID: 35770352). This variant is reported in 0.0086% of alleles in individuals of European (non-Finnish) descent in gnomAD, including three hemizygotes. At this time, the clinical significance of this variant is uncertain due to the absence of conclusive functional and genetic evidence.

Literature cited by the submitters: PubMed 22103590 (cited by Women's Health and Genetics/Laboratory Corporation of America, LabCorp); PubMed 29296726 (cited by Women's Health and Genetics/Laboratory Corporation of America, LabCorp); PubMed 32497951 (cited by Women's Health and Genetics/Laboratory Corporation of America, LabCorp).